The following is an entry in ClinVar:

ClinVar aggregate classification (germline): Uncertain significance (1 of 4 stars; one submission).

Conditions:
Parkinson disease 17 (PARK17). Also called: VPS35-Related Parkinson Disease. Identifiers: Orphanet 411602, MedGen C3280133, MONDO:0013625, OMIM 614203.

gnomAD v4.1: 8 of 1,608,584 alleles (0.0005%); highest among the groups gnomAD compares: Admixed American, 0.0017%; no homozygotes.

Submission:

Labcorp Genetics (formerly Invitae), Labcorp
Classification: Uncertain significance for Parkinson disease 17. Last evaluated: 2024-02-17. Review status: criteria provided, single submitter. Criteria: Invitae Variant Classification Sherloc (09022015). Collection method: clinical testing. Allele origin: germline.
Comment: This sequence change replaces arginine, which is basic and polar, with leucine, which is neutral and non-polar, at codon 312 of the VPS35 protein (p.Arg312Leu). The frequency data for this variant in the population databases is considered unreliable, as metrics indicate poor data quality at this position in the gnomAD database. This variant has not been reported in the literature in individuals affected with VPS35-related conditions. ClinVar contains an entry for this variant (Variation ID: 2073583). Advanced modeling of protein sequence and biophysical properties (such as structural, functional, and spatial information, amino acid conservation, physicochemical variation, residue mobility, and thermodynamic stability) has been performed at Invitae for this missense variant, however the output from this modeling did not meet the statistical confidence thresholds required to predict the impact of this variant on VPS35 protein function. In summary, the available evidence is currently insufficient to determine the role of this variant in disease. Therefore, it has been classified as a Variant of Uncertain Significance.

NM_018206.6(VPS35):c.935G>T (p.Arg312Leu)

Gene: VPS35 (VPS35 retromer complex component; minus strand). Cytogenetic location: 16q11.2.
Variant type: single nucleotide variant.
Coding change: c.935G>T on transcript NM_018206.6 (MANE Select); coding-DNA position 935, G replaced by T.
Protein change: p.Arg312Leu; replaces arginine 312 with leucine.
Molecular consequence: missense variant.
Genome position (GRCh38, 1-based): chr16:46,674,640, C>A on the plus strand (G>T on the coding strand, the complement: VPS35 is on the minus strand). VCF-style: chr16-46674640-C-A. GRCh37 (hg19) VCF-style: chr16-46708552-C-A.
Other names: short protein forms R312L.
Identifiers: ClinVar variation 2073583 (VCV002073583.4), dbSNP rs759749769, ClinGen allele CA395810678.